The following is an entry in ClinVar:

NM_022132.5(MCCC2):c.652G>A (p.Ala218Thr)

Gene: MCCC2 (methylcrotonyl-CoA carboxylase subunit 2; plus strand). Cytogenetic location: 5q13.2.
Variant type: single nucleotide variant.
Coding change: c.652G>A on transcript NM_022132.5 (MANE Select); coding-DNA position 652, G replaced by A.
Protein change: p.Ala218Thr; replaces alanine 218 with threonine.
Molecular consequence: missense variant. On other transcripts: intron variant (1).
Genome position (GRCh38, 1-based): chr5:71,626,667, G>A. VCF-style: chr5-71626667-G-A. GRCh37 (hg19) VCF-style: chr5-70922494-G-A.
Other names: c.625-5454G>A (NM_001363147.1); short protein forms A218T.
Identifiers: ClinVar variation 286932 (VCV000286932.19), dbSNP rs886043524, ClinGen allele CA10605619.

ClinVar aggregate classification (germline): Pathogenic/Likely pathogenic. Review status: criteria provided, multiple submitters, no conflicts (2 of 4 stars). 6 submissions from 6 submitters: Pathogenic (1); Likely pathogenic (5). Last evaluated 2025-09-23.

Conditions:
3-methylcrotonyl-CoA carboxylase 2 deficiency. Also called: 3 alpha methylcrotonyl-CoA carboxylase 2 deficiency; 3 alpha methylcrotonylglycinuria 2; MCC 2 deficiency; Methylcrotonylglycinuria type 2; METHYLCROTONYLGLYCINURIA, TYPE II. Identifiers: Orphanet 6, MedGen C1859499, MONDO:0008862, OMIM 210210.

Allele frequency attached by ClinVar (database versions not stated): TOPMed below 0.00001.

Submissions (6):

Natera, Inc.
Classification: Likely pathogenic for 3-methylcrotonyl-CoA carboxylase 2 deficiency. Last evaluated: 2025-09-23. Review status: criteria provided, single submitter. Criteria: Natera Variant Classification Schema (03/2026). Collection method: clinical testing. Allele origin: germline.
Comment: The c.652G>A variant in MCCC2 is a missense variant predicted to cause substitution of alanine to threonine at amino acid 218. This variant is rare in the general population with a frequency below the threshold expected for the associated phenotype(s). This variant has been observed in one or more individuals affected with the associated recessive disease, as either homozygous or compound heterozygous with a second variant (PMID: 11170888, 26566957). Functional studies show that this variant may disrupt protein function (PMID: 14680978). Computational prediction algorithms indicate this variant is likely to affect gene or protein function. Given the available evidence, this variant is classified as Likely Pathogenic.

Myriad Genetics, Inc.
Classification: Likely pathogenic for 3-methylcrotonyl-CoA carboxylase 2 deficiency. Last evaluated: 2025-01-27. Review status: criteria provided, single submitter. Criteria: Myriad Autosomal Dominant, Autosomal Recessive and X-Linked Classification Criteria (2023). Collection method: clinical testing. Allele origin: unknown.
Comment: NM_022132.4(MCCC2):c.652G>A(A218T) is a missense variant classified as likely pathogenic in the context of 3-methylcrotonyl-CoA carboxylase deficiency, MCCC2-related. A218T has been observed in cases with relevant disease (PMID: 11170888, 26566957, 27601257). Relevant functional assessments of this variant are available in the literature (PMID: 14680978). Internal structural analysis of the variant is supportive of pathogenicity. A218T has not been observed in referenced population frequency databases. In summary, NM_022132.4(MCCC2):c.652G>A(A218T) is a missense variant that has both functional and internal structural support for pathogenicity and has been observed more frequently in cases with the relevant disease than in healthy populations. Please note: this variant was assessed in the context of healthy population screening.

Labcorp Genetics (formerly Invitae), Labcorp
Classification: Pathogenic for 3-methylcrotonyl-CoA carboxylase 2 deficiency. Last evaluated: 2024-03-03. Review status: criteria provided, single submitter. Criteria: Invitae Variant Classification Sherloc (09022015). Collection method: clinical testing. Allele origin: germline.
Comment: This sequence change replaces alanine, which is neutral and non-polar, with threonine, which is neutral and polar, at codon 218 of the MCCC2 protein (p.Ala218Thr). This variant is not present in population databases (gnomAD no frequency). This missense change has been observed in individual(s) with 3-methylcrotonylglycinuria (PMID: 11170888). ClinVar contains an entry for this variant (Variation ID: 286932). Advanced modeling of protein sequence and biophysical properties (such as structural, functional, and spatial information, amino acid conservation, physicochemical variation, residue mobility, and thermodynamic stability) performed at Invitae indicates that this missense variant is expected to disrupt MCCC2 protein function with a positive predictive value of 80%. This variant disrupts the p.Ala218 amino acid residue in MCCC2. Other variant(s) that disrupt this residue have been determined to be pathogenic (PMID: 22264772; Invitae). This suggests that this residue is clinically significant, and that variants that disrupt this residue are likely to be disease-causing. For these reasons, this variant has been classified as Pathogenic.

GeneDx
Classification: Likely pathogenic. Last evaluated: 2022-07-18. Review status: criteria provided, single submitter. Criteria: GeneDx Variant Classification Process June 2021. Collection method: clinical testing. Allele origin: germline. Affected: yes.
Comment: Identified in the presence of a second variant in an asymptomatic newborn from a cohort of individuals with positive newborn screen for 3-MCC deficiency (Fonseca et al., 2016); In silico analysis supports that this missense variant has a deleterious effect on protein structure/function; Not observed at significant frequency in large population cohorts (gnomAD); This variant is associated with the following publications: (PMID: 11170888, 26566957, 22642865, 27601257)

Fulgent Genetics
Classification: Likely pathogenic for 3-methylcrotonyl-CoA carboxylase 2 deficiency. Last evaluated: 2022-02-02. Review status: criteria provided, single submitter. Criteria: ACMG Guidelines, 2015. Collection method: clinical testing. Allele origin: unknown.

Eurofins Ntd Llc (ga)
Classification: Likely pathogenic. Last evaluated: 2016-05-27. Review status: criteria provided, single submitter. Criteria: EGL Classification Definitions 2015. Collection method: clinical testing. Allele origin: germline. Observed: 2 variant alleles, 2 heterozygotes.

Literature cited by the submitters: PubMed 11170888 (cited by 3 submitters); PubMed 26566957 (cited by Natera, Inc. and Myriad Genetics, Inc.); PubMed 14680978 (cited by Natera, Inc. and Myriad Genetics, Inc.); PubMed 27601257 (cited by Myriad Genetics, Inc.); PubMed 22264772 (cited by Labcorp Genetics (formerly Invitae), Labcorp).